The following is an entry in ClinVar:

ClinVar aggregate classification (germline): Uncertain significance. Review status: criteria provided, multiple submitters, no conflicts (2 of 4 stars). 2 submissions from 2 submitters: Uncertain significance (2). Last evaluated 2025-10-23.

Conditions:
Dilated cardiomyopathy 1W (CMD1W). Identifiers: Orphanet 154, MedGen C1969639, MONDO:0012667, OMIM 611407.
Cardiovascular phenotype. Identifiers: MedGen CN230736.

Allele frequency attached by ClinVar (database versions not stated): gnomAD exomes below 0.00001.
gnomAD v4.1: 1 of 1,614,164 alleles (0.000062%); highest among the groups gnomAD compares: East Asian, 0.0022%; no homozygotes.

Submissions (2):

Ambry Genetics
Classification: Uncertain significance for Cardiovascular phenotype. Last evaluated: 2025-10-23. Review status: criteria provided, single submitter. Criteria: Ambry Variant Classification Scheme 2023. Collection method: clinical testing. Allele origin: germline.
Comment: The p.C85R variant (also known as c.253T>C), located in coding exon 3 of the VCL gene, results from a T to C substitution at nucleotide position 253. The cysteine at codon 85 is replaced by arginine, an amino acid with highly dissimilar properties. This amino acid position is conserved. In addition, the in silico prediction for this alteration is inconclusive. Based on the available evidence, the clinical significance of this variant remains unclear.

Labcorp Genetics (formerly Invitae), Labcorp
Classification: Uncertain significance for Dilated cardiomyopathy 1W. Last evaluated: 2023-08-05. Review status: criteria provided, single submitter. Criteria: Invitae Variant Classification Sherloc (09022015). Collection method: clinical testing. Allele origin: germline.
Comment: This sequence change replaces cysteine, which is neutral and slightly polar, with arginine, which is basic and polar, at codon 85 of the VCL protein (p.Cys85Arg). This variant is not present in population databases (gnomAD no frequency). This variant has not been reported in the literature in individuals affected with VCL-related conditions. An algorithm developed to predict the effect of missense changes on protein structure and function (PolyPhen-2) suggests that this variant is likely to be disruptive. In summary, the available evidence is currently insufficient to determine the role of this variant in disease. Therefore, it has been classified as a Variant of Uncertain Significance.

NM_014000.3(VCL):c.253T>C (p.Cys85Arg)

Gene: VCL (vinculin; plus strand). Cytogenetic location: 10q22.2.
Variant type: single nucleotide variant.
Coding change: c.253T>C on transcript NM_014000.3 (MANE Select); coding-DNA position 253, T replaced by C.
Protein change: p.Cys85Arg; replaces cysteine 85 with arginine.
Molecular consequence: missense variant.
Genome position (GRCh38, 1-based): chr10:74,070,683, T>C. VCF-style: chr10-74070683-T-C. GRCh37 (hg19) VCF-style: chr10-75830441-T-C.
Other names: c.253T>C, p.Cys85Arg (NM_003373.4); short protein forms C85R.
Identifiers: ClinVar variation 2750427 (VCV002750427.4), dbSNP rs2549211915, ClinGen allele CA377265687.